The following is an entry in ClinVar:

ClinVar aggregate classification (germline): Pathogenic/Likely pathogenic. Review status: criteria provided, multiple submitters, no conflicts (2 of 4 stars). 2 submissions from 2 submitters: Pathogenic (1); Likely pathogenic (1). Last evaluated 2025-03-03.

Conditions:
Dilated cardiomyopathy 1KK (CMD1KK). Identifiers: Orphanet 154, Orphanet 75249, MedGen C3714995, MONDO:0014100, OMIM 615248.
MYPN-related disorder. Also called: MYPN-related condition.

Submissions (2):

Labcorp Genetics (formerly Invitae), Labcorp
Classification: Pathogenic for Dilated cardiomyopathy 1KK. Last evaluated: 2025-03-03. Review status: criteria provided, single submitter. Criteria: Invitae Variant Classification Sherloc (09022015). Collection method: clinical testing. Allele origin: germline.
Comment: This sequence change creates a premature translational stop signal (p.Arg1072Profs*15) in the MYPN gene. It is expected to result in an absent or disrupted protein product. Loss-of-function variants in MYPN are known to be pathogenic (PMID: 28017374). This variant is not present in population databases (gnomAD no frequency). This variant has not been reported in the literature in individuals affected with MYPN-related conditions. ClinVar contains an entry for this variant (Variation ID: 2637165). For these reasons, this variant has been classified as Pathogenic.

PreventionGenetics, part of Exact Sciences
Classification: Likely pathogenic for MYPN-related condition. Last evaluated: 2022-10-10. Review status: criteria provided, single submitter. Criteria: ACMG Guidelines, 2015. Collection method: clinical testing. Allele origin: germline.
Comment: The MYPN c.3212dupT variant is predicted to result in a frameshift and premature protein termination (p.Arg1072Profs*15). To our knowledge, this variant has not been reported in the literature or in a large population database, indicating this variant is rare. Frameshift variants in MYPN are expected to be pathogenic. This variant is interpreted as likely pathogenic.

Literature cited by the submitters: PubMed 28017374 (cited by Labcorp Genetics (formerly Invitae), Labcorp).

NM_032578.4(MYPN):c.3212dup (p.Arg1072fs)

Gene: MYPN (myopalladin; plus strand). Cytogenetic location: 10q21.3.
Variant type: Duplication.
Coding change: c.3212dup on transcript NM_032578.4 (MANE Select); coding-DNA position 3212, one base duplicated (T; older notation c.3212dupT).
Protein change: p.Arg1072fs; shifts the reading frame from arginine 1072.
Molecular consequence: frameshift variant. On other transcripts: non-coding transcript variant (2).
Genome position (GRCh38, 1-based): chr10:68,197,405, T duplicated; the last of 5 consecutive T bases (chr10:68,197,401-68,197,405); duplicating any one gives the same sequence. VCF-style (leftmost placement, unchanged base first): chr10-68197400-C-CT. GRCh37 (hg19) VCF-style: chr10-69957157-C-CT.
Other names: c.3212dup, p.Arg1072fs (NM_001256267.2); c.2330dup, p.Arg778fs (NM_001256268.2); c.3212dupT (NM_032578.3); short protein forms R1072fs, R778fs.
Identifiers: ClinVar variation 2637165 (VCV002637165.2), dbSNP rs2495951071, ClinGen allele CA2609373355.